The following is an entry in ClinVar:

ClinVar aggregate classification (germline): Uncertain significance. Review status: criteria provided, multiple submitters, no conflicts (2 of 4 stars). 2 submissions from 2 submitters: Uncertain significance (2). Last evaluated 2024-02-23.

Conditions:
Wilson disease (WND). Also called: Wilson's disease. Identifiers: Orphanet 905, MedGen C0019202, MONDO:0010200, OMIM 277900. Disease mechanism: loss of function.

Allele frequency attached by ClinVar (database versions not stated): gnomAD exomes below 0.00001.
gnomAD v4.1: 1 of 1,613,870 alleles (0.000062%); highest among the groups gnomAD compares: Non-Finnish European, 0.000085%; no homozygotes.

Submissions (2):

ARUP Laboratories, Molecular Genetics and Genomics, ARUP Laboratories
Classification: Uncertain significance for Wilson disease. Last evaluated: 2024-02-23. Review status: criteria provided, single submitter. Criteria: ARUP Molecular Germline Variant Investigation Process 2024. Collection method: clinical testing. Allele origin: germline.
Comment: The ATP7B c.851G>A; p.Gly284Glu variant, to our knowledge, is not reported in the medical literature or gene specific databases. This variant is also absent from the Genome Aggregation Database (v2.1.1), indicating it is not a common polymorphism. Computational analyses predict that this variant is deleterious (REVEL: 0.826). However, given the lack of clinical and functional data, the significance of this variant is uncertain at this time.

All of Us Research Program, National Institutes of Health
Classification: Uncertain significance for Wilson disease. Last evaluated: 2023-11-20. Review status: criteria provided, single submitter. Criteria: ACMG Guidelines, 2015. Collection method: clinical testing. Allele origin: germline. Inheritance: Autosomal recessive inheritance. Observed: 1 variant allele, 1 heterozygote.
Comment: This missense variant replaces glycine with glutamic acid at codon 284 of the ATP7B protein. Computational prediction suggests that this variant may have deleterious impact on protein structure and function (internally defined REVEL score threshold >= 0.7, PMID: 27666373). To our knowledge, functional studies have not been reported for this variant. This variant has not been reported in individuals affected with ATP7B-related disorders in the literature. This variant has not been identified in the general population by the Genome Aggregation Database (gnomAD). The available evidence is insufficient to determine the role of this variant in disease conclusively. Therefore, this variant is classified as a Variant of Uncertain Significance.

This study involves interpretation of variants in research participants for the purpose of population health screening. Participant phenotype was not available at the time of variant classification. Additional details can be found in publication PMID: 35346344, PMCID: PMC8962531

NM_000053.4(ATP7B):c.851G>A (p.Gly284Glu)

Gene: ATP7B (ATPase copper transporting beta; minus strand). Cytogenetic location: 13q14.3.
Variant type: single nucleotide variant.
Coding change: c.851G>A on transcript NM_000053.4 (MANE Select); coding-DNA position 851, G replaced by A.
Protein change: p.Gly284Glu; replaces glycine 284 with glutamic acid.
Molecular consequence: missense variant. On other transcripts: intron variant (2).
Genome position (GRCh38, 1-based): chr13:51,974,369, C>T on the plus strand (G>A on the coding strand, the complement: ATP7B is on the minus strand). VCF-style: chr13-51974369-C-T. GRCh37 (hg19) VCF-style: chr13-52548505-C-T.
Other names: c.851G>A, p.Gly284Glu (NM_001005918.3, NM_001330578.2, NM_001330579.2 and 29 more transcripts); c.755G>A, p.Gly252Glu (NM_001406517.1, NM_001406518.1, NM_001406543.1 and 3 more transcripts); c.802+49G>A (NM_001243182.2); c.706+49G>A (NM_001406539.1); short protein forms G252E, G284E.
Identifiers: ClinVar variation 3074669 (VCV003074669.2), dbSNP rs2547817953, ClinGen allele CA388040916.